The following is an entry in ClinVar:

ClinVar aggregate classification (germline): Conflicting classifications of pathogenicity. Review status: criteria provided, conflicting classifications (1 of 4 stars). 5 submissions from 5 submitters: Uncertain significance (4); Likely benign (1). Last evaluated 2025-05-12.

Conditions:
Hereditary cancer-predisposing syndrome. Also called: Tumor predisposition; Hereditary Cancer Syndrome; Hereditary neoplastic syndrome; Neoplastic Syndromes, Hereditary. Identifiers: Orphanet 140162, MedGen C0027672, MeSH D009386, MONDO:0015356.
Hereditary breast ovarian cancer syndrome. Also called: Breast and ovarian cancer; Hereditary breast and ovarian cancer; Hereditary breast and/or ovarian cancer syndrome; BRCA1- and BRCA2-Associated Hereditary Breast and Ovarian Cancer; Hereditary breast and ovarian cancer syndrome (HBOC); Hereditary breast and ovarian cancer syndrome. Identifiers: Orphanet 145, MedGen C0677776, MeSH D061325, MONDO:0003582. Disease mechanism: loss of function.

Submissions (5):

Labcorp Genetics (formerly Invitae), Labcorp
Classification: Uncertain significance for Hereditary breast ovarian cancer syndrome. Last evaluated: 2025-05-12. Review status: criteria provided, single submitter. Criteria: Invitae Variant Classification Sherloc (09022015). Collection method: clinical testing. Allele origin: germline.
Comment: This sequence change replaces alanine, which is neutral and non-polar, with threonine, which is neutral and polar, at codon 1070 of the BRCA2 protein (p.Ala1070Thr). This variant is not present in population databases (gnomAD no frequency). This variant has not been reported in the literature in individuals affected with BRCA2-related conditions. ClinVar contains an entry for this variant (Variation ID: 182197). Invitae Evidence Modeling of protein sequence and biophysical properties (such as structural, functional, and spatial information, amino acid conservation, physicochemical variation, residue mobility, and thermodynamic stability) indicates that this missense variant is not expected to disrupt BRCA2 protein function with a negative predictive value of 95%. In summary, the available evidence is currently insufficient to determine the role of this variant in disease. Therefore, it has been classified as a Variant of Uncertain Significance.

University of Washington Department of Laboratory Medicine, University of Washington
Classification: Likely benign for Hereditary cancer-predisposing syndrome. Last evaluated: 2023-03-23. Review status: criteria provided, single submitter. Criteria: Dines et al. (Genet Med. 2020). Collection method: curation. Allele origin: germline.
Comment: Missense variant in a coldspot region where missense variants are very unlikely to be pathogenic (PMID:31911673).

BRCA2 exon 11 coldspot. Reclassification based on statistical prior probability.

Ambry Genetics
Classification: Uncertain significance for Hereditary cancer-predisposing syndrome. Last evaluated: 2022-01-06. Review status: criteria provided, single submitter. Criteria: Ambry Variant Classification Scheme 2023. Collection method: clinical testing. Allele origin: germline.
Comment: The p.A1070T variant (also known as c.3208G>A), located in coding exon 10 of the BRCA2 gene, results from a G to A substitution at nucleotide position 3208. The alanine at codon 1070 is replaced by threonine, an amino acid with similar properties. This amino acid position is poorly conserved in available vertebrate species. In addition, this alteration is predicted to be tolerated by in silico analysis. Since supporting evidence is limited at this time, the clinical significance of this alteration remains unclear.

Color Diagnostics, LLC DBA Color Health
Classification: Uncertain significance for Hereditary cancer-predisposing syndrome. Last evaluated: 2019-05-03. Review status: criteria provided, single submitter. Criteria: ACMG Guidelines, 2015. Collection method: clinical testing. Allele origin: germline.

GeneDx
Classification: Uncertain significance. Last evaluated: 2014-06-11. Review status: criteria provided, single submitter. Criteria: GeneDx Variant Classification (06012015). Collection method: clinical testing. Allele origin: germline. Affected: yes.
Comment: This variant is denoted BRCA2 c.3208G>A at the cDNA level, p.Ala1070Thr (A1070T) at the protein level, and results in the change of an Alanine to a Threonine (GCA>ACA). This variant has not, to our knowledge, been published in the literature as either a germline pathogenic variant or a benign polymorphism. It was reported as a somatic mutation in one breast tumor; however, no loss of heterozygosity analysis was performed on this sample and germline testing was not performed (Forsti 2001). BRCA2 Ala1070Thr was not observed in approximately 6,500 individuals of European and African American ancestry in the NHLBI Exome Sequencing Project, indicating it is not a common benign variant in these populations. Since Alanine and Threonine differ in polarity, charge, size or other properties, this is considered a non-conservative amino acid substitution. BRCA2 Ala1070Thr occurs at a position that is highly variable across species and is not located in a known functional domain. In addition, in silico analyses predict that this variant is unlikely to alter protein structure or function. Based on currently available information, it is unclear whether BRCA2 Ala1070Thr is pathogenic or benign. We consider it to be a variant of uncertain significance.

NM_000059.4(BRCA2):c.3208G>A (p.Ala1070Thr)

Gene: BRCA2 (BRCA2 DNA repair associated; plus strand). Cytogenetic location: 13q13.1.
Variant type: single nucleotide variant.
Coding change: c.3208G>A on transcript NM_000059.4 (MANE Select); coding-DNA position 3208, G replaced by A.
Protein change: p.Ala1070Thr; replaces alanine 1070 with threonine.
Molecular consequence: missense variant.
Genome position (GRCh38, 1-based): chr13:32,337,563, G>A. VCF-style: chr13-32337563-G-A. GRCh37 (hg19) VCF-style: chr13-32911700-G-A.
Other names: p.A1070T:GCA>ACA; short protein forms A1070T.
Identifiers: ClinVar variation 182197 (VCV000182197.10), dbSNP rs372433502, ClinGen allele CA017548.